The following is an entry in ClinVar:

NM_015450.3(POT1):c.1870A>G (p.Ile624Val)

Gene: POT1 (protection of telomeres 1; minus strand). Cytogenetic location: 7q31.33.
Variant type: single nucleotide variant.
Coding change: c.1870A>G on transcript NM_015450.3 (MANE Select); coding-DNA position 1870, A replaced by G.
Protein change: p.Ile624Val; replaces isoleucine 624 with valine.
Molecular consequence: missense variant. On other transcripts: non-coding transcript variant (3).
Genome position (GRCh38, 1-based): chr7:124,823,997, T>C on the plus strand (A>G on the coding strand, the complement: POT1 is on the minus strand). VCF-style: chr7-124823997-T-C. GRCh37 (hg19) VCF-style: chr7-124464051-T-C.
Other names: c.1477A>G, p.Ile493Val (NM_001042594.2); short protein forms I624V, I493V.
Identifiers: ClinVar variation 475067 (VCV000475067.18), dbSNP rs1410012081, ClinGen allele CA369061121.

ClinVar aggregate classification (germline): Uncertain significance. Review status: criteria provided, multiple submitters, no conflicts (2 of 4 stars). 3 submissions from 3 submitters: Uncertain significance (3). Last evaluated 2025-11-12.

Conditions:
Tumor predisposition syndrome 3 (TPDS3). Also called: Glioma susceptibility 9; LONG TELOMERE SYNDROME, POT1-RELATED; POT1 Tumor Predisposition; Melanoma, cutaneous malignant, susceptibility to, 10. Identifiers: Orphanet 618, MedGen C4014476, MONDO:0014368, OMIM 615848.
Hereditary cancer-predisposing syndrome. Also called: Hereditary neoplastic syndrome; Hereditary Cancer Syndrome; Neoplastic Syndromes, Hereditary; Tumor predisposition. Identifiers: Orphanet 140162, MedGen C0027672, MeSH D009386, MONDO:0015356.

Allele frequency attached by ClinVar (database versions not stated): TOPMed below 0.00001; gnomAD 0.00001; gnomAD exomes 0.00001.
gnomAD v4.1: 19 of 1,604,416 alleles (0.0012%); highest among the groups gnomAD compares: Non-Finnish European, 0.0016%; no homozygotes.

Submissions (3):

Ambry Genetics
Classification: Uncertain significance for Hereditary cancer-predisposing syndrome. Last evaluated: 2025-11-12. Review status: criteria provided, single submitter. Criteria: Ambry Variant Classification Scheme 2023. Collection method: clinical testing. Allele origin: germline.
Comment: The p.I624V variant (also known as c.1870A>G), located in coding exon 15 of the POT1 gene, results from an A to G substitution at nucleotide position 1870. The isoleucine at codon 624 is replaced by valine, an amino acid with highly similar properties. This amino acid position is highly conserved in available vertebrate species. In addition, this alteration is predicted to be tolerated by in silico analysis. Based on the available evidence, the clinical significance of this variant remains unclear.

Labcorp Genetics (formerly Invitae), Labcorp
Classification: Uncertain significance for Tumor predisposition syndrome 3. Last evaluated: 2023-10-23. Review status: criteria provided, single submitter. Criteria: Invitae Variant Classification Sherloc (09022015). Collection method: clinical testing. Allele origin: germline.
Comment: This sequence change replaces isoleucine, which is neutral and non-polar, with valine, which is neutral and non-polar, at codon 624 of the POT1 protein (p.Ile624Val). This variant is not present in population databases (gnomAD no frequency). This missense change has been observed in individual(s) with myeloproliferative neoplasm (PMID: 34193977). ClinVar contains an entry for this variant (Variation ID: 475067). Advanced modeling of protein sequence and biophysical properties (such as structural, functional, and spatial information, amino acid conservation, physicochemical variation, residue mobility, and thermodynamic stability) performed at Invitae indicates that this missense variant is not expected to disrupt POT1 protein function. In summary, the available evidence is currently insufficient to determine the role of this variant in disease. Therefore, it has been classified as a Variant of Uncertain Significance.

GeneDx
Classification: Uncertain significance. Last evaluated: 2023-01-13. Review status: criteria provided, single submitter. Criteria: GeneDx Variant Classification Process June 2021. Collection method: clinical testing. Allele origin: germline. Affected: yes.
Comment: Not observed at significant frequency in large population cohorts (gnomAD); In silico analysis supports that this missense variant does not alter protein structure/function; Has not been previously published as pathogenic or benign to our knowledge; This variant is associated with the following publications: (PMID: 28393830)

Literature cited by the submitters: PubMed 34193977 (cited by Labcorp Genetics (formerly Invitae), Labcorp).